The following is an entry in ClinVar:

NM_000038.6(APC):c.152T>C (p.Leu51Pro)

Gene: APC (APC regulator of Wnt signaling pathway; plus strand). Cytogenetic location: 5q22.2.
Variant type: single nucleotide variant.
Coding change: c.152T>C on transcript NM_000038.6 (MANE Select); coding-DNA position 152, T replaced by C.
Protein change: p.Leu51Pro; replaces leucine 51 with proline.
Molecular consequence: missense variant. On other transcripts: 5 prime UTR variant (4).
Genome position (GRCh38, 1-based): chr5:112,766,342, T>C. VCF-style: chr5-112766342-T-C. GRCh37 (hg19) VCF-style: chr5-112102039-T-C.
Other names: c.152T>C, p.Leu51Pro (NM_001127510.3, NM_001354895.2, NM_001354896.2 and 2 more transcripts); c.182T>C, p.Leu61Pro (NM_001127511.3, NM_001354897.2, NM_001354902.2); c.77T>C, p.Leu26Pro (NM_001354898.2, NM_001354904.2); c.-26T>C (NM_001354900.2, NM_001354901.2, NM_001354905.2); c.-884T>C (NM_001354906.2); short protein forms L26P, L61P, L51P.
Identifiers: ClinVar variation 1352218 (VCV001352218.8), dbSNP rs1756317618, ClinGen allele CA16021679.
Genomic context (GRCh38, chr5:112,766,342, plus strand): 5'-GTTATTTAGAATTTCATGTTAATATATTGTGTTCTTTTTAACAGGAAGTACTTAAACAAC[T>C]ACAAGGAAGTATTGAAGATGAAGCTATGGCTTCTTCTGGACAGATTGATTTATTAGAGCG-3'
Protein context (NP_000029.2, residues 41-61): ASNMKEVLKQ[Leu51Pro]QGSIEDEAMA

ClinVar aggregate classification (germline): Uncertain significance (1 of 4 stars; one submission).

Conditions:
Familial adenomatous polyposis 1 (FAP1). Also called: FAMILIAL ADENOMATOUS POLYPOSIS 1, ATTENUATED; POLYPOSIS, ADENOMATOUS INTESTINAL. Identifiers: MedGen C2713442, MONDO:0021056, OMIM 175100. Disease mechanism: loss of function.

Submission:

Labcorp Genetics (formerly Invitae), Labcorp
Classification: Uncertain significance for Familial adenomatous polyposis 1. Last evaluated: 2023-07-26. Review status: criteria provided, single submitter. Criteria: Invitae Variant Classification Sherloc (09022015). Collection method: clinical testing. Allele origin: germline.
Comment: In summary, the available evidence is currently insufficient to determine the role of this variant in disease. Therefore, it has been classified as a Variant of Uncertain Significance. Advanced modeling of protein sequence and biophysical properties (such as structural, functional, and spatial information, amino acid conservation, physicochemical variation, residue mobility, and thermodynamic stability) performed at Invitae indicates that this missense variant is not expected to disrupt APC protein function. ClinVar contains an entry for this variant (Variation ID: 1352218). This variant has not been reported in the literature in individuals affected with APC-related conditions. This variant is not present in population databases (gnomAD no frequency). This sequence change replaces leucine, which is neutral and non-polar, with proline, which is neutral and non-polar, at codon 51 of the APC protein (p.Leu51Pro).